The following is an entry in ClinVar:

NM_000132.4(F8):c.701C>G (p.Ser234Cys)

Gene: F8 (coagulation factor VIII; minus strand). Cytogenetic location: Xq28.
Variant type: single nucleotide variant.
Coding change: c.701C>G on transcript NM_000132.4 (MANE Select); coding-DNA position 701, C replaced by G.
Protein change: p.Ser234Cys; replaces serine 234 with cysteine.
Molecular consequence: missense variant.
Genome position (GRCh38, 1-based): chrX:154,984,773, G>C on the plus strand (C>G on the coding strand, the complement: F8 is on the minus strand). VCF-style: chrX-154984773-G-C. GRCh37 (hg19) VCF-style: chrX-154213048-G-C.
Other names: short protein forms S234C.
Identifiers: ClinVar variation 2581362 (VCV002581362.2), dbSNP rs2073549839, ClinGen allele CA414919108.

ClinVar aggregate classification (germline): Uncertain significance. Review status: criteria provided, multiple submitters, no conflicts (2 of 4 stars). 2 submissions from 2 submitters: Uncertain significance (2). Last evaluated 2025-12-11.

Conditions:
Hereditary factor VIII deficiency disease (HEMA). Also called: HEMOPHILIA, CLASSIC; AUTOSOMAL HEMOPHILIA A; Hemophilia A; Hemophilia A, congenital; HEM A; Factor 8 deficiency, congenital. Identifiers: Orphanet 98878, MedGen C0019069, MONDO:0010602, OMIM 306700.

Allele frequency attached by ClinVar (database versions not stated): TOPMed 0.00001.

Submissions (2):

Myriad Genetics, Inc.
Classification: Uncertain significance for Hereditary factor VIII deficiency disease. Last evaluated: 2025-12-11. Review status: criteria provided, single submitter. Criteria: Myriad Autosomal Dominant, Autosomal Recessive and X-Linked Classification Criteria (2023). Collection method: clinical testing. Allele origin: unknown.
Comment: NM_000132.3(F8):c.701C>G(S234C) is a missense variant classified as a variant of uncertain significance in the context of hemophilia A. S234C has been observed in a case with relevant disease (PMID: 29296726). Relevant functional assessments of this variant are not available in the literature. S234C has not been observed in referenced population frequency databases. In summary, there is insufficient evidence to classify NM_000132.3(F8):c.701C>G(S234C) as pathogenic or benign. Please note: this variant was assessed in the context of healthy population screening.

Women's Health and Genetics/Laboratory Corporation of America, LabCorp
Classification: Uncertain significance. Last evaluated: 2023-08-25. Review status: criteria provided, single submitter. Criteria: LabCorp Variant Classification Summary - May 2015. Collection method: clinical testing. Allele origin: germline.
Comment: Variant summary: F8 c.701C>G (p.Ser234Cys) results in a non-conservative amino acid change located in the multicopper oxidase, second cupredoxin domain (IPR001117) of the encoded protein sequence. Three of five in-silico tools predict a damaging effect of the variant on protein function. The variant was absent in 183366 control chromosomes (gnomAD). The available data on variant occurrences in the general population are insufficient to allow any conclusion about variant significance. c.701C>G has been reported in the literature in at least one individual affected with Factor VIII Deficiency (Hemophilia A) (e.g. Johnsen_2017, Johnsen_2022). These data do not allow any conclusion about variant significance. To our knowledge, no experimental evidence demonstrating an impact on protein function has been reported. The following publications have been ascertained in the context of this evaluation (PMID: 29296726, 35770352). No submitters have cited clinical-significance assessments for this variant to ClinVar after 2014. Based on the evidence outlined above, the variant was classified as uncertain significance.

Literature cited by the submitters: PubMed 29296726 (cited by Myriad Genetics, Inc. and Women's Health and Genetics/Laboratory Corporation of America, LabCorp); PubMed 35770352 (cited by Women's Health and Genetics/Laboratory Corporation of America, LabCorp).